The following is an entry in ClinVar:

ClinVar aggregate classification (germline): Likely benign. Review status: criteria provided, multiple submitters, no conflicts (2 of 4 stars). 9 submissions from 9 submitters: Likely benign (7). 2 of the submissions do not count toward it. Last evaluated 2026-01-11.

Conditions:
Hypertrophic cardiomyopathy 4. Also called: Familial hypertrophic cardiomyopathy 4. Identifiers: MedGen C1861862, MONDO:0007268, OMIM 115197.
Left ventricular noncompaction 10 (LVNC10). Identifiers: Orphanet 154, Orphanet 54260, MedGen C3715165, MONDO:0014163, OMIM 615396.
Cardiomyopathy (CMYO). Also called: Cardiomyopathies. Identifiers: Orphanet 167848, MedGen C0878544, MONDO:0004994, HP:0001638. Inheritance: Various modes of inheritance.
Cardiovascular phenotype. Identifiers: MedGen CN230736.
Hypertrophic cardiomyopathy. Also called: HYPERTROPHIC MYOCARDIOPATHY. Identifiers: Orphanet 217569, MedGen C0007194, MeSH D002312, MONDO:0005045, HP:0001639.

Allele frequency attached by ClinVar (database versions not stated): gnomAD 0.00002; TOPMed 0.00002; gnomAD exomes 0.00003; ExAC 0.00012.
gnomAD v4.1: 39 of 1,599,000 alleles (0.0024%); highest among the groups gnomAD compares: Non-Finnish European, 0.0028%; no homozygotes.

Submissions (9):

Labcorp Genetics (formerly Invitae), Labcorp
Classification: Likely benign for Hypertrophic cardiomyopathy. Last evaluated: 2026-01-11. Review status: criteria provided, single submitter. Criteria: Invitae Variant Classification Sherloc (09022015). Collection method: clinical testing. Allele origin: germline.

Blueprint Genetics
Classification: Likely benign. Last evaluated: 2024-03-18. Review status: criteria provided, single submitter. Criteria: ACMG Guidelines, 2015. Collection method: clinical testing. Allele origin: germline.

All of Us Research Program, National Institutes of Health
Classification: Likely benign for Hypertrophic cardiomyopathy. Last evaluated: 2023-10-02. Review status: criteria provided, single submitter. Criteria: ACMG Guidelines, 2015. Collection method: clinical testing. Allele origin: germline. Inheritance: Autosomal dominant inheritance. Observed: 1 variant allele, 1 heterozygote.
Comment: This study involves interpretation of variants in research participants for the purpose of population health screening. Participant phenotype was not available at the time of variant classification. Additional details can be found in publication PMID: 35346344, PMCID: PMC8962531

Fulgent Genetics
Classification: Likely benign for Hypertrophic cardiomyopathy 4; Left ventricular noncompaction 10. Last evaluated: 2021-11-11. Review status: criteria provided, single submitter. Criteria: ACMG Guidelines, 2015. Collection method: clinical testing. Allele origin: unknown.

Ambry Genetics
Classification: Likely benign for Cardiovascular phenotype. Last evaluated: 2020-08-05. Review status: criteria provided, single submitter. Criteria: Ambry Variant Classification Scheme 2023. Collection method: clinical testing. Allele origin: germline.

Color Diagnostics, LLC DBA Color Health
Classification: Likely benign for Cardiomyopathy. Last evaluated: 2019-01-25. Review status: criteria provided, single submitter. Criteria: ACMG Guidelines, 2015. Collection method: clinical testing. Allele origin: germline.

GeneDx
Classification: Likely benign. Last evaluated: 2018-05-30. Review status: criteria provided, single submitter. Criteria: GeneDx Variant Classification (06012015). Collection method: clinical testing. Allele origin: germline. Affected: yes.
Comment: This variant is considered likely benign or benign based on one or more of the following criteria: it is a conservative change, it occurs at a poorly conserved position in the protein, it is predicted to be benign by multiple in silico algorithms, and/or has population frequency not consistent with disease.

Clinical Genetics DNA and cytogenetics Diagnostics Lab, Erasmus MC, Erasmus Medical Center
Classification: Likely benign. Review status: no assertion criteria provided. Collection method: clinical testing. Allele origin: germline. Affected: yes. Study: VKGL Data-share Consensus. Not counted in ClinVar's aggregate classification.

Joint Genome Diagnostic Labs from Nijmegen and Maastricht, Radboudumc and MUMC+
Classification: Likely benign. Review status: no assertion criteria provided. Collection method: clinical testing. Allele origin: germline. Affected: yes. Study: VKGL Data-share Consensus. Not counted in ClinVar's aggregate classification.

NM_000256.3(MYBPC3):c.1830C>T (p.Asp610=)

Gene: MYBPC3 (myosin binding protein C3; minus strand). Cytogenetic location: 11p11.2.
Variant type: single nucleotide variant.
Coding change: c.1830C>T on transcript NM_000256.3 (MANE Select); coding-DNA position 1830, C replaced by T.
Protein change: p.Asp610=; no amino-acid change (aspartic acid 610 retained).
Molecular consequence: synonymous variant.
Genome position (GRCh38, 1-based): chr11:47,341,205, G>A on the plus strand (C>T on the coding strand, the complement: MYBPC3 is on the minus strand). VCF-style: chr11-47341205-G-A. GRCh37 (hg19) VCF-style: chr11-47362756-G-A.
Identifiers: ClinVar variation 668670 (VCV000668670.18), dbSNP rs768049705, ClinGen allele CA078334.